The following is an entry in ClinVar:

ClinVar aggregate classification (germline): Benign (1 of 4 stars; one submission).

Conditions:
Landau-Kleffner syndrome (FESD). Also called: EPILEPSY, FOCAL, WITH SPEECH DISORDER AND WITH OR WITHOUT MENTAL RETARDATION; APHASIA, ACQUIRED, WITH EPILEPSY. Identifiers: Orphanet 1945, Orphanet 725, Orphanet 98818, MedGen C0282512, MONDO:0009509, OMIM 245570.

Allele frequency attached by ClinVar (database versions not stated): 1000 Genomes Project 30x 0.03045; TOPMed 0.01758; 1000 Genomes Project 0.02756.
gnomAD v4.1: 3,233 of 216,130 alleles (1.5%); highest among the groups gnomAD compares: Admixed American, 16%; 341 homozygotes.

Submission:

Illumina Laboratory Services, Illumina
Classification: Benign for Landau-Kleffner syndrome. Last evaluated: 2018-01-13. Review status: criteria provided, single submitter. Criteria: ICSL Variant Classification Criteria 13 December 2019. Collection method: clinical testing. Allele origin: germline.
Comment: This variant was observed in the ICSL laboratory as part of a predisposition screen in an ostensibly healthy population. It had not been previously curated by ICSL or reported in the Human Gene Mutation Database (HGMD: prior to June 1st, 2018), and was therefore a candidate for classification through an automated scoring system. Utilizing variant allele frequency, disease prevalence and penetrance estimates, and inheritance mode, an automated score was calculated to assess if this variant is too frequent to cause the disease. Based on the score and internal cut-off values, a variant classified as benign is not then subjected to further curation. The score for this variant resulted in a classification of benign for this disease.

NM_001134407.3(GRIN2A):c.*1002C>T

Gene: GRIN2A (glutamate ionotropic receptor NMDA type subunit 2A; minus strand). Cytogenetic location: 16p13.2.
Variant type: single nucleotide variant.
Coding change: c.*1002C>T on transcript NM_001134407.3 (MANE Select); 1002 bases downstream of the stop codon, C replaced by T.
Molecular consequence: 3 prime UTR variant.
Genome position (GRCh38, 1-based): chr16:9,762,147, G>A on the plus strand (C>T on the coding strand, the complement: GRIN2A is on the minus strand). VCF-style: chr16-9762147-G-A. GRCh37 (hg19) VCF-style: chr16-9856004-G-A.
Other names: c.*1002C>T (NM_000833.5); c.*1208C>T (NM_001134408.2).
Identifiers: ClinVar variation 321585 (VCV000321585.5), dbSNP rs144997779, ClinGen allele CA10638785.